The following is an entry in ClinVar:

NM_006734.4(HIVEP2):c.4321A>G (p.Met1441Val)

Gene: HIVEP2 (HIVEP zinc finger 2; minus strand). Cytogenetic location: 6q24.2.
Variant type: single nucleotide variant.
Coding change: c.4321A>G on transcript NM_006734.4 (MANE Select); coding-DNA position 4321, A replaced by G.
Protein change: p.Met1441Val; replaces methionine 1441 with valine.
Molecular consequence: missense variant.
Genome position (GRCh38, 1-based): chr6:142,770,418, T>C on the plus strand (A>G on the coding strand, the complement: HIVEP2 is on the minus strand). VCF-style: chr6-142770418-T-C. GRCh37 (hg19) VCF-style: chr6-143091555-T-C.
Other names: short protein forms M1441V.
Identifiers: ClinVar variation 3375835 (VCV003375835.1).
Genomic context (GRCh38, chr6:142,770,418, plus strand): 5'-TGACCCTTTTCTGCTGCTTGGTTTCCATGAAGAGCTCCAAGCTACTGGCTGGAGAAAGCA[T>C]TCGCTTGCTACCTCCCAGGGTGGCCACGCTGTCAGAGGTGGAAGGTAAACACAAGGGGAT-3'
Protein context (NP_006725.3, residues 1431-1451): SVATLGGSKR[Met1441Val]LSPASSLELF

ClinVar aggregate classification (germline): Uncertain significance (1 of 4 stars; one submission).

Submission:

GeneDx
Classification: Uncertain significance. Last evaluated: 2024-04-27. Review status: criteria provided, single submitter. Criteria: GeneDx Variant Classification Process June 2021. Collection method: clinical testing. Allele origin: germline. Affected: yes.
Comment: Not observed at significant frequency in large population cohorts (gnomAD); In silico analysis supports that this missense variant has a deleterious effect on protein structure/function; Has not been previously published as pathogenic or benign to our knowledge